The following is an entry in ClinVar:

NM_007194.4(CHEK2):c.104C>G (p.Ser35Cys)

Gene: CHEK2 (checkpoint kinase 2; minus strand). Cytogenetic location: 22q12.1.
Variant type: single nucleotide variant.
Coding change: c.104C>G on transcript NM_007194.4 (MANE Select); coding-DNA position 104, C replaced by G.
Protein change: p.Ser35Cys; replaces serine 35 with cysteine.
Molecular consequence: missense variant.
Genome position (GRCh38, 1-based): chr22:28,734,618, G>C on the plus strand (C>G on the coding strand, the complement: CHEK2 is on the minus strand). VCF-style: chr22-28734618-G-C. GRCh37 (hg19) VCF-style: chr22-29130606-G-C.
Other names: c.104C>G, p.Ser35Cys (NM_001005735.3, NM_001349956.3, NM_145862.3); c.-674C>G (NM_001257387.3); short protein forms S35C.
Identifiers: ClinVar variation 186744 (VCV000186744.20), dbSNP rs786203185, ClinGen allele CA195738.
Genomic context (GRCh38, chr22:28,734,618, plus strand): 5'-GAGTGAGAGGACTGGCTGGAGTTTGGCATCGTGCTGGTAGAGGAGCTGGATATGCCCTGG[G>C]ACTGTGAGGAGGAGCCTTGGGACTGGGTAACGCTGCCATGGGGCTGTGAACAGGCACTGC-3'
Protein context (NP_009125.1, residues 25-45): VTQSQGSSSQ[Ser35Cys]QGISSSSTST

ClinVar aggregate classification (germline): Uncertain significance. Review status: criteria provided, multiple submitters, no conflicts (2 of 4 stars). 5 submissions from 5 submitters: Uncertain significance (5). Last evaluated 2025-12-30.

Conditions:
Hereditary cancer-predisposing syndrome. Also called: Neoplastic Syndromes, Hereditary; Tumor predisposition; Hereditary Cancer Syndrome; Hereditary neoplastic syndrome. Identifiers: Orphanet 140162, MedGen C0027672, MeSH D009386, MONDO:0015356.
Familial cancer of breast. Also called: BREAST CANCER, FAMILIAL; Hereditary breast cancer; hereditary breast carcinoma. Identifiers: Orphanet 227535, MedGen C0346153, MONDO:0016419, OMIM 114480. Disease mechanism: loss of function.

Submissions (5):

Labcorp Genetics (formerly Invitae), Labcorp
Classification: Uncertain significance for Familial cancer of breast. Last evaluated: 2025-12-30. Review status: criteria provided, single submitter. Criteria: Invitae Variant Classification Sherloc (09022015). Collection method: clinical testing. Allele origin: germline.
Comment: This sequence change replaces serine, which is neutral and polar, with cysteine, which is neutral and slightly polar, at codon 35 of the CHEK2 protein (p.Ser35Cys). This variant is not present in population databases (gnomAD no frequency). This variant has not been reported in the literature in individuals affected with CHEK2-related conditions. ClinVar contains an entry for this variant (Variation ID: 186744). An algorithm developed to predict the effect of missense changes on protein structure and function (PolyPhen-2) suggests that this variant is likely to be disruptive. In summary, the available evidence is currently insufficient to determine the role of this variant in disease. Therefore, it has been classified as a Variant of Uncertain Significance.

Ambry Genetics
Classification: Uncertain significance for Hereditary cancer-predisposing syndrome. Last evaluated: 2023-11-14. Review status: criteria provided, single submitter. Criteria: Ambry Variant Classification Scheme 2023. Collection method: clinical testing. Allele origin: germline.
Comment: The p.S35C variant (also known as c.104C>G), located in coding exon 1 of the CHEK2 gene, results from a C to G substitution at nucleotide position 104. The serine at codon 35 is replaced by cysteine, an amino acid with dissimilar properties. This alteration has been reported in at least one subject in a study of 13087 breast cancer cases and 5488 control individuals in the UK (Decker B et al. J Med Genet, 2017 11;54:732-741). This alteration was reported as functional in a study assessing CHEK2-complementation through quantification of KAP1 phosphorylation and CHK2 autophosphorylation in human RPE1-CHEK2-knockout cells (Stolarova L et al. Clin Cancer Res, 2023 Aug;29:3037-3050). This amino acid position is not well conserved in available vertebrate species. In addition, the in silico prediction for this alteration is inconclusive. Since supporting evidence is limited at this time, the clinical significance of this alteration remains unclear.

GeneDx
Classification: Uncertain significance. Last evaluated: 2023-08-01. Review status: criteria provided, single submitter. Criteria: GeneDx Variant Classification Process June 2021. Collection method: clinical testing. Allele origin: germline. Affected: yes.
Comment: Not observed at significant frequency in large population cohorts (gnomAD); In silico analysis supports that this missense variant has a deleterious effect on protein structure/function; Identified in an individual with breast cancer (Decker et al., 2017); This variant is associated with the following publications: (PMID: 22114986, 11733767, 32039725, 28779002)

Women's Health and Genetics/Laboratory Corporation of America, LabCorp
Classification: Uncertain significance. Last evaluated: 2019-10-10. Review status: criteria provided, single submitter. Criteria: LabCorp Variant Classification Summary - May 2015. Collection method: clinical testing. Allele origin: germline.
Comment: Variant summary: CHEK2 c.104C>G (p.Ser35Cys) results in a non-conservative amino acid change in the encoded protein sequence. Four of five in-silico tools predict a damaging effect of the variant on protein function. The variant was absent in 250232 control chromosomes (gnomAD). The available data on variant occurrences in the general population are insufficient to allow any conclusion about variant significance. To our knowledge, no occurrence of c.104C>G in individuals affected with Hereditary Breast and Ovarian Cancer and no experimental evidence demonstrating its impact on protein function have been reported. Two ClinVar submissions (evaluation after 2014) cites the variant as uncertain significance. Based on the evidence outlined above, the variant was classified as uncertain significance.

Color Diagnostics, LLC DBA Color Health
Classification: Uncertain significance for Hereditary cancer-predisposing syndrome. Last evaluated: 2019-08-08. Review status: criteria provided, single submitter. Criteria: ACMG Guidelines, 2015. Collection method: clinical testing. Allele origin: germline.
Comment: This missense variant replaces serine with cysteine at codon 35 of the CHEK2 protein. Computational prediction tools and conservation analyses are inconclusive regarding the impact of this variant on the protein function. Computational splicing tools suggest that this variant may not impact RNA splicing. To our knowledge, functional assays have not been performed for this variant nor has this variant been reported in individuals affected with hereditary cancer in the literature. This variant has not been identified in the general population by the Genome Aggregation Database (gnomAD). Available evidence is insufficient to determine the role of this variant in disease conclusively. Therefore, this variant is classified as a Variant of Uncertain Significance.

Literature cited by the submitters: PubMed 28779002 (cited by Ambry Genetics); PubMed 37449874 (cited by Ambry Genetics).